The following is an entry in ClinVar:

NM_017654.4(SAMD9):c.1183del (p.Val395fs)

Gene: SAMD9 (sterile alpha motif domain containing 9; minus strand). Cytogenetic location: 7q21.2.
Variant type: Deletion.
Coding change: c.1183del on transcript NM_017654.4 (MANE Select); coding-DNA position 1183, one base deleted (G; older notation c.1183delG).
Protein change: p.Val395fs; shifts the reading frame from valine 395.
Molecular consequence: frameshift variant.
Genome position (GRCh38, 1-based): chr7:93,104,915, C deleted on the plus strand (G on the coding strand, the reverse complement: SAMD9 is on the minus strand); the first of 2 consecutive C bases (chr7:93,104,915-93,104,916); deleting either gives the same sequence. VCF-style (leftmost placement, unchanged base first): chr7-93104914-AC-A. GRCh37 (hg19) VCF-style: chr7-92734227-AC-A.
Other names: c.1183del, p.Val395fs (NM_001193307.2); short protein forms V395fs.
Identifiers: ClinVar variation 5003677 (VCV005003677.1).

ClinVar aggregate classification (germline): Uncertain significance (1 of 4 stars; one submission).

Conditions:
Normophosphatemic familial tumoral calcinosis. Also called: CALCINOSIS, TUMORAL, WITH NORMOPHOSPHATEMIA. Identifiers: Orphanet 306658, Orphanet 53715, MedGen C1864861, MONDO:0012502, OMIM 610455.

Submission:

Myriad Genetics, Inc.
Classification: Uncertain significance for Normophosphatemic familial tumoral calcinosis. Last evaluated: 2026-03-25. Review status: criteria provided, single submitter. Criteria: Myriad Autosomal Dominant, Autosomal Recessive and X-Linked Classification Criteria (2023). Collection method: clinical testing. Allele origin: unknown.
Comment: NM_017654.3(SAMD9):c.1183delG(V395Lfs*4) is a frameshift variant classified as a variant of uncertain significance in the context of normophosphatemic familial tumoral calcinosis. V395Lfs*4 has not been observed in cases with relevant disease. Relevant functional assessments of this variant are not available in the literature. V395Lfs*4 has not been observed in referenced population frequency databases. In summary, there is insufficient evidence to classify NM_017654.3(SAMD9):c.1183delG(V395Lfs*4) as pathogenic or benign. Please note: this variant was assessed in the context of healthy population screening.